The following is an entry in ClinVar:

ClinVar aggregate classification (germline): Uncertain significance (1 of 4 stars; one submission).

Conditions:
Inclusion body myopathy with Paget disease of bone and frontotemporal dementia. Also called: Inclusion body myopathy with early-onset Paget disease and frontotemporal dementia. Identifiers: Orphanet 52430, MedGen C1833662, MONDO:0000507.
Frontotemporal dementia and/or amyotrophic lateral sclerosis 6 (FTDALS6). Also called: VCP-Related Amyotrophic Lateral Sclerosis; VCP-Related Amyotrophic Lateral Sclerosis/Frontotemporal Dementia. Identifiers: Orphanet 275872, Orphanet 803, MedGen C5436279, MONDO:0013501, OMIM 613954.

Allele frequency attached by ClinVar (database versions not stated): gnomAD exomes below 0.00001; gnomAD 0.00001; TOPMed 0.00001.

Submission:

Labcorp Genetics (formerly Invitae), Labcorp
Classification: Uncertain significance for Inclusion body myopathy with Paget disease of bone and frontotemporal dementia; Frontotemporal dementia and/or amyotrophic lateral sclerosis 6. Last evaluated: 2026-02-01. Review status: criteria provided, single submitter. Criteria: Invitae Variant Classification Sherloc (09022015). Collection method: clinical testing. Allele origin: germline.
Comment: This sequence change falls in intron 3 of the VCP gene. It does not directly change the encoded amino acid sequence of the VCP protein. It affects a nucleotide within the consensus splice site. This variant is not present in population databases (gnomAD no frequency). This variant has not been reported in the literature in individuals affected with VCP-related conditions. ClinVar contains an entry for this variant (Variation ID: 464108). Variants that disrupt the consensus splice site are a relatively common cause of aberrant splicing (PMID: 17576681, 9536098). Algorithms developed to predict the effect of sequence changes on RNA splicing suggest that this variant is not likely to affect RNA splicing. In summary, the available evidence is currently insufficient to determine the role of this variant in disease. Therefore, it has been classified as a Variant of Uncertain Significance.

Literature cited by the submitters: PubMed 17576681; PubMed 9536098.

NM_007126.5(VCP):c.303-3C>T

Gene: VCP (valosin containing protein; minus strand). Cytogenetic location: 9p13.3.
Variant type: single nucleotide variant.
Coding change: c.303-3C>T on transcript NM_007126.5 (MANE Select); 3 bases into the intron before coding-DNA position 303, C replaced by T.
Molecular consequence: intron variant.
Genome position (GRCh38, 1-based): chr9:35,066,820, G>A on the plus strand (C>T on the coding strand, the complement: VCP is on the minus strand). VCF-style: chr9-35066820-G-A. GRCh37 (hg19) VCF-style: chr9-35066817-G-A.
Other names: c.168-3C>T (NM_001354927.2, NM_001354928.2).
Identifiers: ClinVar variation 464108 (VCV000464108.10), dbSNP rs1183711292, ClinGen allele CA658657866.